The following is an entry in ClinVar:

ClinVar aggregate classification (germline): Uncertain significance (1 of 4 stars; one submission).

Submission:

Labcorp Genetics (formerly Invitae), Labcorp
Classification: Uncertain significance. Last evaluated: 2024-09-21. Review status: criteria provided, single submitter. Criteria: Invitae Variant Classification Sherloc (09022015). Collection method: clinical testing. Allele origin: germline.
Comment: This sequence change replaces glycine, which is neutral and non-polar, with serine, which is neutral and polar, at codon 3230 of the ADGRV1 protein (p.Gly3230Ser). This variant is not present in population databases (gnomAD no frequency). This variant has not been reported in the literature in individuals affected with ADGRV1-related conditions. Invitae Evidence Modeling of protein sequence and biophysical properties (such as structural, functional, and spatial information, amino acid conservation, physicochemical variation, residue mobility, and thermodynamic stability) has been performed for this missense variant. However, the output from this modeling did not meet the statistical confidence thresholds required to predict the impact of this variant on ADGRV1 protein function. In summary, the available evidence is currently insufficient to determine the role of this variant in disease. Therefore, it has been classified as a Variant of Uncertain Significance.

NM_032119.4(ADGRV1):c.9688G>A (p.Gly3230Ser)

Gene: ADGRV1 (adhesion G protein-coupled receptor V1; plus strand). Cytogenetic location: 5q14.3.
Variant type: single nucleotide variant.
Coding change: c.9688G>A on transcript NM_032119.4 (MANE Select); coding-DNA position 9688, G replaced by A.
Protein change: p.Gly3230Ser; replaces glycine 3230 with serine.
Molecular consequence: missense variant. On other transcripts: non-coding transcript variant (1).
Genome position (GRCh38, 1-based): chr5:90,720,999, G>A. VCF-style: chr5-90720999-G-A. GRCh37 (hg19) VCF-style: chr5-90016816-G-A.
Other names: short protein forms G3230S.
Identifiers: ClinVar variation 3664623 (VCV003664623.2).